The following is an entry in ClinVar:

NM_001277115.2(DNAH11):c.13386_13399dup (p.Val4467fs)

Genes: CDCA7L (cell division cycle associated 7 like; minus strand), DNAH11 (dynein axonemal heavy chain 11; plus strand). Cytogenetic location: 7p15.3.
Variant type: Duplication.
Coding change: c.13386_13399dup on transcript NM_001277115.2 (MANE Select); coding-DNA positions 13386 to 13399, 14 bases duplicated (AAAAGCCACCCCCG).
Protein change: p.Val4467fs; shifts the reading frame from valine 4467.
Molecular consequence: frameshift variant. On other transcripts: 3 prime UTR variant (3).
Genome position (GRCh38, 1-based): chr7:21,901,089-21,901,102, AAAAGCCACCCCCG duplicated. VCF-style (leftmost placement, unchanged base first): chr7-21901088-C-CAAAAGCCACCCCCG. GRCh37 (hg19) VCF-style: chr7-21940706-C-CAAAAGCCACCCCCG.
Other names: c.*1220_*1233dup (NM_001127370.3, NM_001127371.3, NM_018719.5); short protein forms V4467fs.
Identifiers: ClinVar variation 4741926 (VCV004741926.1).

ClinVar aggregate classification (germline): Pathogenic (1 of 4 stars; one submission).

Conditions:
Primary ciliary dyskinesia. Also called: Ciliary dyskinesia. Identifiers: Orphanet 244, MedGen C0008780, MONDO:0016575, HP:0012265.

Submission:

Labcorp Genetics (formerly Invitae), Labcorp
Classification: Pathogenic for Primary ciliary dyskinesia. Last evaluated: 2025-08-10. Review status: criteria provided, single submitter. Criteria: Invitae Variant Classification Sherloc (09022015). Collection method: clinical testing. Allele origin: germline.
Comment: This sequence change creates a premature translational stop signal (p.Val4467Glufs*24) in the DNAH11 gene. While this is not anticipated to result in nonsense mediated decay, it is expected to disrupt the last 50 amino acid(s) of the DNAH11 protein. This variant is not present in population databases (gnomAD no frequency). This variant has not been reported in the literature in individuals affected with DNAH11-related conditions. This variant disrupts a region of the DNAH11 protein in which other variant(s) (p.Trp4505Serfs*10) have been determined to be pathogenic (internal data). This suggests that this is a clinically significant region of the protein, and that variants that disrupt it are likely to be disease-causing. For these reasons, this variant has been classified as Pathogenic.